The following is an entry in ClinVar:

ClinVar aggregate classification (germline): Conflicting classifications of pathogenicity. Review status: criteria provided, conflicting classifications (1 of 4 stars). 3 submissions from 3 submitters: Uncertain significance (2); Likely benign (1). Last evaluated 2024-06-05.

Conditions:
Hereditary cancer-predisposing syndrome. Also called: Hereditary neoplastic syndrome; Tumor predisposition; Hereditary Cancer Syndrome; Neoplastic Syndromes, Hereditary. Identifiers: Orphanet 140162, MedGen C0027672, MeSH D009386, MONDO:0015356.
Hereditary breast ovarian cancer syndrome. Also called: Hereditary breast and ovarian cancer syndrome; BRCA1- and BRCA2-Associated Hereditary Breast and Ovarian Cancer; Hereditary breast and ovarian cancer syndrome (HBOC); Hereditary breast and/or ovarian cancer syndrome; Hereditary breast and ovarian cancer; Breast and ovarian cancer. Identifiers: Orphanet 145, MedGen C0677776, MeSH D061325, MONDO:0003582. Disease mechanism: loss of function.

Allele frequency attached by ClinVar (database versions not stated): gnomAD exomes below 0.00001.
gnomAD v4.1: 1 of 1,613,652 alleles (0.000062%); highest among the groups gnomAD compares: South Asian, 0.0011%; no homozygotes.

Submissions (3):

Labcorp Genetics (formerly Invitae), Labcorp
Classification: Uncertain significance for Hereditary breast ovarian cancer syndrome. Last evaluated: 2024-06-05. Review status: criteria provided, single submitter. Criteria: Invitae Variant Classification Sherloc (09022015). Collection method: clinical testing. Allele origin: germline.
Comment: This sequence change replaces serine, which is neutral and polar, with asparagine, which is neutral and polar, at codon 1461 of the BRCA1 protein (p.Ser1461Asn). This variant is not present in population databases (gnomAD no frequency). This variant has not been reported in the literature in individuals affected with BRCA1-related conditions. ClinVar contains an entry for this variant (Variation ID: 2124828). Advanced modeling of protein sequence and biophysical properties (such as structural, functional, and spatial information, amino acid conservation, physicochemical variation, residue mobility, and thermodynamic stability) performed at Invitae indicates that this missense variant is not expected to disrupt BRCA1 protein function with a negative predictive value of 95%. In summary, the available evidence is currently insufficient to determine the role of this variant in disease. Therefore, it has been classified as a Variant of Uncertain Significance.

Ambry Genetics
Classification: Likely benign for Hereditary cancer-predisposing syndrome. Last evaluated: 2024-03-15. Review status: criteria provided, single submitter. Criteria: Ambry Variant Classification Scheme 2023. Collection method: clinical testing. Allele origin: germline.

Quest Diagnostics Nichols Institute San Juan Capistrano
Classification: Uncertain significance. Last evaluated: 2023-06-19. Review status: criteria provided, single submitter. Criteria: Quest Diagnostics criteria. Collection method: clinical testing. Allele origin: unknown.
Comment: This variant has not been reported in the published literature. It also has not been reported in large, multi-ethnic general populations (Genome Aggregation Database). Analysis of this variant using bioinformatics tools for the prediction of the effect of amino acid changes on protein structure and function yielded predictions that this variant is benign. Based on the available information, we are unable to determine the clinical significance of this variant.

NM_007294.4(BRCA1):c.4382G>A (p.Ser1461Asn)

Gene: BRCA1 (BRCA1 DNA repair associated; minus strand). Cytogenetic location: 17q21.31.
Variant type: single nucleotide variant.
Coding change: c.4382G>A on transcript NM_007294.4 (MANE Select); coding-DNA position 4382, G replaced by A.
Protein change: p.Ser1461Asn; replaces serine 1461 with asparagine.
Molecular consequence: missense variant. On other transcripts: non-coding transcript variant (1).
Genome position (GRCh38, 1-based): chr17:43,076,590, C>T on the plus strand (G>A on the coding strand, the complement: BRCA1 is on the minus strand). VCF-style: chr17-43076590-C-T. GRCh37 (hg19) VCF-style: chr17-41228607-C-T.
Other names: c.4169G>A, p.Ser1390Asn (NM_001407571.1, NM_001407894.1, NM_001407895.1 and 12 more transcripts); c.4448G>A, p.Ser1483Asn (NM_001407581.1, NM_001407582.1); c.4445G>A, p.Ser1482Asn (NM_001407583.1, NM_001407585.1, NM_001407587.1 and 1 more transcripts); c.4442G>A, p.Ser1481Asn (NM_001407590.1, NM_001407591.1); c.4382G>A, p.Ser1461Asn (NM_001407593.1, NM_001407594.1, NM_001407596.1 and 8 more transcripts); c.4379G>A, p.Ser1460Asn (NM_001407610.1, NM_001407611.1, NM_001407612.1 and 17 more transcripts); c.4376G>A, p.Ser1459Asn (NM_001407627.1, NM_001407628.1, NM_001407629.1 and 14 more transcripts); c.4373G>A, p.Ser1458Asn (NM_001407644.1, NM_001407645.1); and 68 more; short protein forms S1165N, S1348N, S1392N, S1394N, S1418N, S1419N, S1457N, S1461N.
Identifiers: ClinVar variation 2124828 (VCV002124828.6), dbSNP rs1555582692, ClinGen allele CA10592775.
Genomic context (GRCh38, chr17:43,076,590, plus strand): 5'-GCAGACACCTCAAACTTGTCAGCAGAAAGGCCTTCTGGATTCTGGCTTATAGGGTATTCA[C>T]TACTTTTCTGTGAAGTTAATACTGCTTTAAATGGAATGAGAAAACAAATCTACTTTACTG-3'
Protein context (NP_009225.1, residues 1451-1471): EKAVLTSQKS[Ser1461Asn]EYPISQNPEG